The following is an entry in ClinVar:

ClinVar aggregate classification (germline): Uncertain significance (1 of 4 stars; one submission).

Conditions:
Inborn genetic diseases. Identifiers: MedGen C0950123, MeSH D030342.

Submission:

Ambry Genetics
Classification: Uncertain significance for Inborn genetic diseases. Last evaluated: 2025-02-01. Review status: criteria provided, single submitter. Criteria: Ambry Variant Classification Scheme 2023. Collection method: clinical testing. Allele origin: germline.
Comment: The p.F1404S variant (also known as c.4211T>C), located in coding exon 13 of the ASXL1 gene, results from a T to C substitution at nucleotide position 4211. The phenylalanine at codon 1404 is replaced by serine, an amino acid with highly dissimilar properties. This amino acid position is conserved. In addition, the in silico prediction for this alteration is inconclusive. Based on the available evidence, the clinical significance of this variant remains unclear.

NM_015338.6(ASXL1):c.4211T>C (p.Phe1404Ser)

Gene: ASXL1 (ASXL transcriptional regulator 1; plus strand). Cytogenetic location: 20q11.21.
Variant type: single nucleotide variant.
Coding change: c.4211T>C on transcript NM_015338.6 (MANE Select); coding-DNA position 4211, T replaced by C.
Protein change: p.Phe1404Ser; replaces phenylalanine 1404 with serine.
Molecular consequence: missense variant.
Genome position (GRCh38, 1-based): chr20:32,436,923, T>C. VCF-style: chr20-32436923-T-C. GRCh37 (hg19) VCF-style: chr20-31024726-T-C.
Other names: c.4028T>C, p.Phe1343Ser (NM_001363734.1); short protein forms F1343S, F1404S.
Identifiers: ClinVar variation 3793032 (VCV003793032.1).